The following is an entry in ClinVar:

NM_000047.3(ARSL):c.1264G>A (p.Ala422Thr)

Gene: ARSL (arylsulfatase L; minus strand). Cytogenetic location: Xp22.33.
Variant type: single nucleotide variant.
Coding change: c.1264G>A on transcript NM_000047.3 (MANE Select); coding-DNA position 1264, G replaced by A.
Protein change: p.Ala422Thr; replaces alanine 422 with threonine.
Molecular consequence: missense variant.
Genome position (GRCh38, 1-based): chrX:2,938,120, C>T on the plus strand (G>A on the coding strand, the complement: ARSL is on the minus strand). VCF-style: chrX-2938120-C-T. GRCh37 (hg19) VCF-style: chrX-2856161-C-T.
Other names: c.1339G>A, p.Ala447Thr (NM_001282628.2, NM_001369080.1); c.1102G>A, p.Ala368Thr (NM_001282631.2); c.1291G>A, p.Ala431Thr (NM_001369079.1); short protein forms A368T, A422T, A447T, A431T.
Identifiers: ClinVar variation 3678288 (VCV003678288.2).

ClinVar aggregate classification (germline): Uncertain significance (1 of 4 stars; one submission).

Conditions:
Chondrodysplasia punctata, brachytelephalangic, autosomal. Also called: BRACHYTELEPHALANGIC CHONDRODYSPLASIA PUNCTATA. Identifiers: MedGen C1844853, MONDO:0011238, OMIM 602497.

gnomAD v4.1: 1 of 1,211,827 alleles (0.000083%); highest among the groups gnomAD compares: African/African-American, 0.0017%; no homozygotes.

Submission:

Labcorp Genetics (formerly Invitae), Labcorp
Classification: Uncertain significance for Chondrodysplasia punctata, brachytelephalangic, autosomal. Last evaluated: 2024-08-29. Review status: criteria provided, single submitter. Criteria: Invitae Variant Classification Sherloc (09022015). Collection method: clinical testing. Allele origin: germline.
Comment: This sequence change replaces alanine, which is neutral and non-polar, with threonine, which is neutral and polar, at codon 422 of the ARSE protein (p.Ala422Thr). This variant is present in population databases (no rsID available, gnomAD 0.008%). This variant has not been reported in the literature in individuals affected with ARSE-related conditions. Invitae Evidence Modeling of protein sequence and biophysical properties (such as structural, functional, and spatial information, amino acid conservation, physicochemical variation, residue mobility, and thermodynamic stability) has been performed for this missense variant. However, the output from this modeling did not meet the statistical confidence thresholds required to predict the impact of this variant on ARSE protein function. In summary, the available evidence is currently insufficient to determine the role of this variant in disease. Therefore, it has been classified as a Variant of Uncertain Significance.